The following is an entry in ClinVar:

NM_000550.3(TYRP1):c.208G>A (p.Ala70Thr)

Gene: TYRP1 (tyrosinase related protein 1; plus strand). Cytogenetic location: 9p23.
Variant type: single nucleotide variant.
Coding change: c.208G>A on transcript NM_000550.3 (MANE Select); coding-DNA position 208, G replaced by A.
Protein change: p.Ala70Thr; replaces alanine 70 with threonine.
Molecular consequence: missense variant.
Genome position (GRCh38, 1-based): chr9:12,694,204, G>A. VCF-style: chr9-12694204-G-A. GRCh37 (hg19) VCF-style: chr9-12694204-G-A.
Other names: short protein forms A70T.
Identifiers: ClinVar variation 364852 (VCV000364852.9), dbSNP rs61752864, ClinGen allele CA4985145.

ClinVar aggregate classification (germline): Uncertain significance. Review status: criteria provided, multiple submitters, no conflicts (2 of 4 stars). 4 submissions from 4 submitters: Uncertain significance (4). Last evaluated 2023-07-27.

Conditions:
Oculocutaneous albinism type 3 (OCA3). Also called: ALBINISM III; RUFOUS OCULOCUTANEOUS ALBINISM; XANTHISM; Albinism, oculocutaneous, type III; Rufous OCA; Rufous albinism. Identifiers: Orphanet 79433, MedGen C0342683, MONDO:0008747, OMIM 203290.
MELANESIAN BLOND HAIR (SHEP11). Also called: SKIN/HAIR/EYE PIGMENTATION 11, BLUE/NONBLUE EYES; Skin/hair/eye pigmentation, variation in, 11. Identifiers: MedGen C2677086, OMIM 612271.

Allele frequency attached by ClinVar (database versions not stated): ESP Exome Variant Server 0.00015; gnomAD 0.00024 and 0.00027; gnomAD exomes 0.00024 and 0.00043; TOPMed 0.00024; ExAC 0.00025.
gnomAD v4.1: 667 of 1,613,666 alleles (0.041%); highest among the groups gnomAD compares: Non-Finnish European, 0.053%; no homozygotes.

Submissions (4):

Women's Health and Genetics/Laboratory Corporation of America, LabCorp
Classification: Uncertain significance. Last evaluated: 2023-07-27. Review status: criteria provided, single submitter. Criteria: LabCorp Variant Classification Summary - May 2015. Collection method: clinical testing. Allele origin: germline.
Comment: Variant summary: TYRP1 c.208G>A (p.Ala70Thr) results in a non-conservative amino acid change in the encoded protein sequence. Three of five in-silico tools predict a damaging effect of the variant on protein function. The variant allele was found at a frequency of 0.00024 in 249952 control chromosomes. c.208G>A has been reported in the literature in individuals with clinical features of oculocutaneous albinism (examples: Campbell_2019, Marti_2018). These report(s) do not provide unequivocal conclusions about association of the variant with Oculocutaneous albinism type 3. To our knowledge, no experimental evidence demonstrating an impact on protein function has been reported. The following publications have been ascertained in the context of this evaluation (PMID: 31719542, 28976636). Three submitters have cited clinical-significance assessments for this variant to ClinVar after 2014. All submitters classified the variant as uncertain significance. Based on the evidence outlined above, the variant was classified as uncertain significance.

Labcorp Genetics (formerly Invitae), Labcorp
Classification: Uncertain significance. Last evaluated: 2022-10-05. Review status: criteria provided, single submitter. Criteria: Invitae Variant Classification Sherloc (09022015). Collection method: clinical testing. Allele origin: germline.
Comment: This sequence change replaces alanine, which is neutral and non-polar, with threonine, which is neutral and polar, at codon 70 of the TYRP1 protein (p.Ala70Thr). This variant is present in population databases (rs61752864, gnomAD 0.04%). This missense change has been observed in individual(s) with clinical features of oculocutaneous albinism (PMID: 28976636, 31719542). ClinVar contains an entry for this variant (Variation ID: 364852). Advanced modeling of protein sequence and biophysical properties (such as structural, functional, and spatial information, amino acid conservation, physicochemical variation, residue mobility, and thermodynamic stability) performed at Invitae indicates that this missense variant is not expected to disrupt TYRP1 protein function. In summary, the available evidence is currently insufficient to determine the role of this variant in disease. Therefore, it has been classified as a Variant of Uncertain Significance.

Fulgent Genetics
Classification: Uncertain significance for Oculocutaneous albinism type 3; MELANESIAN BLOND HAIR. Last evaluated: 2021-08-20. Review status: criteria provided, single submitter. Criteria: ACMG Guidelines, 2015. Collection method: clinical testing. Allele origin: unknown.

Illumina Laboratory Services, Illumina
Classification: Uncertain significance for Oculocutaneous albinism type 3. Last evaluated: 2018-01-13. Review status: criteria provided, single submitter. Criteria: ICSL Variant Classification Criteria 13 December 2019. Collection method: clinical testing. Allele origin: germline.

Literature cited by the submitters: PubMed 31719542 (cited by Women's Health and Genetics/Laboratory Corporation of America, LabCorp and Labcorp Genetics (formerly Invitae), Labcorp); PubMed 28976636 (cited by Women's Health and Genetics/Laboratory Corporation of America, LabCorp and Labcorp Genetics (formerly Invitae), Labcorp).